The following is an entry in ClinVar:

ClinVar aggregate classification (germline): no classifications from unflagged records (0 of 4 stars; one submission).

Conditions:
Wolff-Parkinson-White pattern. Also called: WPW SYNDROME; Auriculoventricular accessory pathway syndrome; False bundle branch block syndrome; Anomalous ventricular excitation syndrome. Identifiers: MedGen C0043202, MONDO:0008685, OMIM 194200, HP:0001716.

Submission:

Lupski Lab, Baylor-Hopkins CMG, Baylor College of Medicine
Classification: Likely pathogenic for Wolff-Parkinson-White pattern. Last evaluated: 2017-07-14. Review status: flagged submission. Collection method: research. Allele origin: inherited. Affected: yes. Observed: 1 variant allele. Study: Candidate_variants_in_patients_with_ Wolff-Parkinson-White Syndrome.
ClinVar note: Notes: There is insufficient evidence that pLOF variants in ACTC1 are associated to any phenotype.
ClinVar note: Reason: Claim with insufficient supporting evidence

NM_005159.5(ACTC1):c.524_525insC (p.Ala176fs)

Genes: GJD2-DT (GJD2 divergent transcript; plus strand), ACTC1 (actin alpha cardiac muscle 1; minus strand). Cytogenetic location: 15q14.
Variant type: Insertion.
Coding change: c.524_525insC on transcript NM_005159.5 (MANE Select); coding-DNA positions 524 to 525, C inserted.
Protein change: p.Ala176fs; shifts the reading frame from alanine 176.
Molecular consequence: frameshift variant.
Genome position: GRCh38 VCF-style: chr15-34792499-A-AG. GRCh37 (hg19) VCF-style: chr15-35084700-A-AG.
Other names: c.524_525insC (LRG_388t1); short protein forms A176fs.
Identifiers: ClinVar variation 487625 (VCV000487625.1), dbSNP rs1555418832, ClinGen allele CA658798294.